The following is an entry in ClinVar:

ClinVar aggregate classification (germline): Uncertain significance (0 of 4 stars; one submission).

Conditions:
FRAS1-related disorder. Also called: FRAS1-related condition.

gnomAD v4.1: 3 of 1,521,248 alleles (0.0002%); highest among the groups gnomAD compares: Admixed American, 0.0039%; no homozygotes.

Submission:

PreventionGenetics, part of Exact Sciences
Classification: Uncertain significance for FRAS1-related condition. Last evaluated: 2024-08-09. Review status: no assertion criteria provided. Collection method: clinical testing. Allele origin: germline.
Comment: The FRAS1 c.3965C>A variant is predicted to result in the amino acid substitution p.Thr1322Asn. To our knowledge, this variant has not been reported in the literature. This variant is reported in 0.0080% of alleles in individuals of Latino descent in gnomAD. At this time, the clinical significance of this variant is uncertain due to the absence of conclusive functional and genetic evidence.

NM_025074.7(FRAS1):c.3965C>A (p.Thr1322Asn)

Gene: FRAS1 (Fraser extracellular matrix complex subunit 1; plus strand). Cytogenetic location: 4q21.21.
Variant type: single nucleotide variant.
Coding change: c.3965C>A on transcript NM_025074.7 (MANE Select); coding-DNA position 3965, C replaced by A.
Protein change: p.Thr1322Asn; replaces threonine 1322 with asparagine.
Molecular consequence: missense variant.
Genome position (GRCh38, 1-based): chr4:78,387,691, C>A. VCF-style: chr4-78387691-C-A. GRCh37 (hg19) VCF-style: chr4-79308845-C-A.
Other names: c.3965C>A, p.Thr1322Asn (NM_001166133.2); short protein forms T1322N.
Identifiers: ClinVar variation 3353818 (VCV003353818.1).